The following is an entry in ClinVar:

NM_004360.5(CDH1):c.1548T>C (p.Phe516=)

Gene: CDH1 (cadherin 1; plus strand). Cytogenetic location: 16q22.1.
Variant type: single nucleotide variant.
Coding change: c.1548T>C on transcript NM_004360.5 (MANE Select); coding-DNA position 1548, T replaced by C.
Protein change: p.Phe516=; no amino-acid change (phenylalanine 516 retained).
Molecular consequence: synonymous variant. On other transcripts: 5 prime UTR variant (2).
Genome position (GRCh38, 1-based): chr16:68,815,742, T>C. VCF-style: chr16-68815742-T-C. GRCh37 (hg19) VCF-style: chr16-68849645-T-C.
Other names: c.1365T>C, p.Phe455= (NM_001317184.2); c.-1T>C (NM_001317185.2); c.-272T>C (NM_001317186.2).
Identifiers: ClinVar variation 507398 (VCV000507398.3), dbSNP rs1555516189, ClinGen allele CA496154134.

ClinVar aggregate classification (germline): Likely benign. Review status: criteria provided, multiple submitters, no conflicts (2 of 4 stars). 2 submissions from 2 submitters: Likely benign (2). Last evaluated 2018-08-07.

Conditions:
Hereditary cancer-predisposing syndrome. Also called: Hereditary neoplastic syndrome; Hereditary Cancer Syndrome; Neoplastic Syndromes, Hereditary; Tumor predisposition. Identifiers: Orphanet 140162, MedGen C0027672, MeSH D009386, MONDO:0015356.

Allele frequency attached by ClinVar (database versions not stated): gnomAD 0.00001; 1000 Genomes Project 30x 0.00031.
gnomAD v4.1: 1 of 1,614,270 alleles (0.000062%); highest among the groups gnomAD compares: South Asian, 0.0011%; no homozygotes.

Submissions (2):

Color Diagnostics, LLC DBA Color Health
Classification: Likely benign for Hereditary cancer-predisposing syndrome. Last evaluated: 2018-08-07. Review status: criteria provided, single submitter. Criteria: ACMG Guidelines, 2015. Collection method: clinical testing. Allele origin: germline.

GeneDx
Classification: Likely benign. Last evaluated: 2017-02-15. Review status: criteria provided, single submitter. Criteria: GeneDx Variant Classification (06012015). Collection method: clinical testing. Allele origin: germline. Affected: yes.
Comment: This variant is considered likely benign or benign based on one or more of the following criteria: it is a conservative change, it occurs at a poorly conserved position in the protein, it is predicted to be benign by multiple in silico algorithms, and/or has population frequency not consistent with disease.